The following is an entry in ClinVar:

NM_032119.4(ADGRV1):c.1890C>T (p.Ser630=)

Gene: ADGRV1 (adhesion G protein-coupled receptor V1; plus strand). Cytogenetic location: 5q14.3.
Variant type: single nucleotide variant.
Coding change: c.1890C>T on transcript NM_032119.4 (MANE Select); coding-DNA position 1890, C replaced by T.
Protein change: p.Ser630=; no amino-acid change (serine 630 retained).
Molecular consequence: synonymous variant. On other transcripts: non-coding transcript variant (1).
Genome position (GRCh38, 1-based): chr5:90,635,164, C>T. VCF-style: chr5-90635164-C-T. GRCh37 (hg19) VCF-style: chr5-89930981-C-T.
Other names: c.1890C>T (NM_032119.3).
Identifiers: ClinVar variation 1152087 (VCV001152087.11), dbSNP rs765630390, ClinGen allele CA3338777.
Genomic context (GRCh38, chr5:90,635,164, plus strand): 5'-TTTATTATAGTTGGAAACTGTGGAGTTGTTAAACATAATTCCTCTAATCCCACCCATAAG[C>T]CCTAGATTTGGGGAAATCTGCAATATTTCTTTACTGGTTACTCCAGCCATTGCAAATGGA-3'
Protein context (NP_115495.3, residues 620-640): LNIIPLIPPI[Ser630=]PRFGEICNIS

ClinVar aggregate classification (germline): Likely benign. Review status: criteria provided, multiple submitters, no conflicts (2 of 4 stars). 2 submissions from 2 submitters: Likely benign (2). Last evaluated 2026-01-22.

Conditions:
ADGRV1-related disorder. Also called: ADGRV1-related disorders; ADGRV1-related condition.

Allele frequency attached by ClinVar (database versions not stated): ExAC 0.00001; gnomAD exomes 0.00001; TOPMed 0.00006; gnomAD 0.00009 and 0.00010.
gnomAD v4.1: 25 of 1,609,094 alleles (0.0016%); highest among the groups gnomAD compares: African/African-American, 0.031%; no homozygotes.

Submissions (2):

Labcorp Genetics (formerly Invitae), Labcorp
Classification: Likely benign. Last evaluated: 2026-01-22. Review status: criteria provided, single submitter. Criteria: Invitae Variant Classification Sherloc (09022015). Collection method: clinical testing. Allele origin: germline.

PreventionGenetics, part of Exact Sciences
Classification: Likely benign for ADGRV1-related condition. Last evaluated: 2025-04-27. Review status: criteria provided, single submitter. Criteria: ACMG Guidelines, 2015. Collection method: clinical testing. Allele origin: germline.
Comment: This variant is classified as likely benign based on ACMG/AMP sequence variant interpretation guidelines (Richards et al. 2015 PMID: 25741868, with internal and published modifications).